The following is an entry in ClinVar:

ClinVar aggregate classification (germline): Uncertain significance. Review status: criteria provided, single submitter (1 of 4 stars). 2 submissions from 2 submitters: Uncertain significance (1). 1 of the submissions does not count toward it. Last evaluated 2022-11-01.

Conditions:
Retinitis pigmentosa 25 (RP25). Identifiers: Orphanet 791, MedGen C1864446, MONDO:0011272, OMIM 602772.

Allele frequency attached by ClinVar (database versions not stated): gnomAD exomes below 0.00001.
gnomAD v4.1: 1 of 1,551,636 alleles (0.000064%); highest among the groups gnomAD compares: South Asian, 0.0012%; no homozygotes.

Submissions (2):

Labcorp Genetics (formerly Invitae), Labcorp
Classification: Uncertain significance. Last evaluated: 2022-11-01. Review status: criteria provided, single submitter. Criteria: Invitae Variant Classification Sherloc (09022015). Collection method: clinical testing. Allele origin: germline.
Comment: This sequence change replaces tyrosine, which is neutral and polar, with histidine, which is basic and polar, at codon 2881 of the EYS protein (p.Tyr2881His). This variant is not present in population databases (gnomAD no frequency). This variant has not been reported in the literature in individuals affected with EYS-related conditions. Advanced modeling of protein sequence and biophysical properties (such as structural, functional, and spatial information, amino acid conservation, physicochemical variation, residue mobility, and thermodynamic stability) has been performed at Invitae for this missense variant, however the output from this modeling did not meet the statistical confidence thresholds required to predict the impact of this variant on EYS protein function. In summary, the available evidence is currently insufficient to determine the role of this variant in disease. Therefore, it has been classified as a Variant of Uncertain Significance.

Natera, Inc.
Classification: Uncertain significance for Retinitis pigmentosa type 25. Last evaluated: 2025-04-17. Review status: no assertion criteria provided. Collection method: clinical testing. Allele origin: germline. Not counted in ClinVar's aggregate classification.

NM_001142800.2(EYS):c.8641T>C (p.Tyr2881His)

Genes: EYS (eyes shut homolog; minus strand), PHF3 (PHD finger protein 3; plus strand). Cytogenetic location: 6q12.
Variant type: single nucleotide variant.
Coding change: c.8641T>C on transcript NM_001142800.2 (MANE Select); coding-DNA position 8641, T replaced by C.
Protein change: p.Tyr2881His; replaces tyrosine 2881 with histidine.
Molecular consequence: missense variant. On other transcripts: 3 prime UTR variant (5).
Genome position (GRCh38, 1-based): chr6:63,721,390, A>G on the plus strand (T>C on the coding strand, the complement: EYS is on the minus strand). VCF-style: chr6-63721390-A-G. GRCh37 (hg19) VCF-style: chr6-64431286-A-G.
Other names: c.*7682A>G (NM_001290259.2, NM_001370348.2, NM_001370349.2 and 2 more transcripts); c.8704T>C, p.Tyr2902His (NM_001292009.2); c.8641T>C (NM_001142800.1); short protein forms Y2881H, Y2902H.
Identifiers: ClinVar variation 2142603 (VCV002142603.2), dbSNP rs2533390812, ClinGen allele CA364384307.